The following is an entry in ClinVar:

ClinVar aggregate classification (germline): Pathogenic (1 of 4 stars; one submission).

Conditions:
Melnick-Fraser syndrome (BOR). Also called: Branchiootorenal syndrome; Branchio-oto-renal syndrome; Branchiootorenal Syndrome (BORS). Identifiers: Orphanet 107, MedGen C0265234, MONDO:0007029.

Submission:

Labcorp Genetics (formerly Invitae), Labcorp
Classification: Pathogenic for Melnick-Fraser syndrome. Last evaluated: 2024-11-11. Review status: criteria provided, single submitter. Criteria: Invitae Variant Classification Sherloc (09022015). Collection method: clinical testing. Allele origin: germline.
Comment: This variant, c.1657_1659del, results in the deletion of 1 amino acid(s) of the EYA1 protein (p.Val553del), but otherwise preserves the integrity of the reading frame. This variant is not present in population databases (gnomAD no frequency). This variant has been observed in individuals with branchiootorenal syndrome (PMID: 18220287; internal data). Invitae Evidence Modeling of clinical and family history, age, sex, and reported ancestry of multiple individuals with this EYA1 variant has been performed. This variant is expected to be pathogenic with a positive predictive value of at least 99%. This is a validated machine learning model that incorporates the clinical features of 10,567 individuals referred to our laboratory for EYA1 testing. For these reasons, this variant has been classified as Pathogenic.

Literature cited by the submitters: PubMed 18220287.

NM_000503.6(EYA1):c.1654GTT[1] (p.Val553del)

Gene: EYA1 (EYA transcriptional coactivator and phosphatase 1; minus strand). Cytogenetic location: 8q13.3.
Variant type: Microsatellite.
Coding change: c.1654GTT[1] on transcript NM_000503.6 (MANE Select); one copy of the 3-base unit GTT starting at c.1654; the reference has two copies in a row; one copy, 3 bases deleted.
Protein change: p.Val553del; deletes valine 553.
Molecular consequence: inframe deletion.
Genome position (GRCh38, 1-based): chr8:71,211,195-71,211,197, AAC deleted on the plus strand (GTT on the coding strand, the reverse complement: EYA1 is on the minus strand); deleting any 3 consecutive bases within chr8:71,211,195-71,211,201 gives the same sequence; the position shown is the placement nearest the transcript's 3' end. VCF-style (leftmost placement, unchanged base first): chr8-71211194-TAAC-T. GRCh37 (hg19) VCF-style: chr8-72123429-TAAC-T.
Other names: c.1636GTT[1], p.Val547del (NM_001288574.2, NM_172059.5); c.1288GTT[1], p.Val431del (NM_001288575.2); c.1741GTT[1], p.Val582del (NM_001370333.1); c.1654GTT[1], p.Val553del (NM_001370334.1, NM_001370335.1, NM_172058.4); c.1633GTT[1], p.Val546del (NM_001370336.1); short protein forms V553del, V431del, V546del, V582del, V547del.
Identifiers: ClinVar variation 581954 (VCV000581954.8), dbSNP rs1563621870, ClinGen allele CA891842917.